The following is an entry in ClinVar:

NM_139276.3(STAT3):c.1110-2_1115del

Gene: STAT3 (signal transducer and activator of transcription 3; minus strand). Cytogenetic location: 17q21.2.
Variant type: Deletion.
Coding change: c.1110-2_1115del on transcript NM_139276.3 (MANE Select); the canonical splice acceptor site of the intron before coding-DNA position 1110 through coding-DNA position 1115, 8 bases deleted (AGAGACTC; older notation c.1110-2_1115delAGAGACTC).
Molecular consequence: splice acceptor variant. On other transcripts: frameshift variant (2).
Genome position (GRCh38, 1-based): chr17:42,329,771-42,329,778, GAGTCTCT deleted on the plus strand (AGAGACTC on the coding strand, the reverse complement: STAT3 is on the minus strand); deleting any 8 consecutive bases within chr17:42,329,771-42,329,779 gives the same sequence; the c. name uses the placement nearest the transcript's 3' end. VCF-style (leftmost placement, unchanged base first): chr17-42329770-AGAGTCTCT-A. GRCh37 (hg19) VCF-style: chr17-40481788-AGAGTCTCT-A.
Other names: c.1123_1130del, p.Arg375fs (NM_001384986.1, NM_001384990.1); c.1014-2_1019del (NM_001384989.1); c.1050-2_1055del (NM_001384992.1); c.1110-2_1115del (NM_001384984.1, NM_001369519.1, NM_003150.4 and 12 more transcripts); c.1032-2_1037del (NM_001384985.1); short protein forms R375fs.
Identifiers: ClinVar variation 4786513 (VCV004786513.1).

ClinVar aggregate classification (germline): Uncertain significance (1 of 4 stars; one submission).

Conditions:
STAT3 gain of function. Identifiers: MedGen C4288261.
Hyper-IgE recurrent infection syndrome 1, autosomal dominant. Also called: JOB SYNDROME; Job's Syndrome; STAT3 Hyper IgE Syndrome; Hyper-IgE recurrent infection syndrome 1; HYPER-IgE SYNDROME 1, AUTOSOMAL DOMINANT, WITH RECURRENT INFECTIONS. Identifiers: Orphanet 2314, MedGen C2936739, MONDO:0007818, OMIM 147060.

Submission:

Labcorp Genetics (formerly Invitae), Labcorp
Classification: Uncertain significance for STAT3 gain of function; Hyper-IgE recurrent infection syndrome 1, autosomal dominant. Last evaluated: 2025-10-23. Review status: criteria provided, single submitter. Criteria: Invitae Variant Classification Sherloc (09022015). Collection method: clinical testing. Allele origin: germline.
Comment: This variant results in the deletion of part of exon 12 (c.1110-2_1115del) of the STAT3 gene. It is expected to disrupt RNA splicing. Variants that disrupt the donor or acceptor splice site typically lead to a loss of protein function (PMID: 16199547), however the current clinical and genetic evidence is not sufficient to establish whether loss-of-function variants in STAT3 cause disease. This variant is not present in population databases (gnomAD no frequency). This variant has not been reported in the literature in individuals affected with STAT3-related conditions. In summary, the available evidence is currently insufficient to determine the role of this variant in disease. Therefore, it has been classified as a Variant of Uncertain Significance.

Literature cited by the submitters: PubMed 16199547.